The following is an entry in ClinVar:

NM_002485.5(NBN):c.1947G>A (p.Met649Ile)

Gene: NBN (nibrin; minus strand). Cytogenetic location: 8q21.3.
Variant type: single nucleotide variant.
Coding change: c.1947G>A on transcript NM_002485.5 (MANE Select); coding-DNA position 1947, G replaced by A.
Protein change: p.Met649Ile; replaces methionine 649 with isoleucine.
Molecular consequence: missense variant.
Genome position (GRCh38, 1-based): chr8:89,946,263, C>T on the plus strand (G>A on the coding strand, the complement: NBN is on the minus strand). VCF-style: chr8-89946263-C-T. GRCh37 (hg19) VCF-style: chr8-90958491-C-T.
Other names: c.1701G>A, p.Met567Ile (NM_001024688.3); short protein forms M649I, M567I.
Identifiers: ClinVar variation 480067 (VCV000480067.21), dbSNP rs1554556579, ClinGen allele CA371676688.

ClinVar aggregate classification (germline): Uncertain significance. Review status: criteria provided, multiple submitters, no conflicts (2 of 4 stars). 4 submissions from 4 submitters: Uncertain significance (4). Last evaluated 2026-02-02.

Conditions:
Hereditary cancer-predisposing syndrome. Also called: Hereditary neoplastic syndrome; Neoplastic Syndromes, Hereditary; Tumor predisposition; Hereditary Cancer Syndrome. Identifiers: Orphanet 140162, MedGen C0027672, MeSH D009386, MONDO:0015356.
Microcephaly, normal intelligence and immunodeficiency (NBS). Also called: IMMUNODEFICIENCY, MICROCEPHALY, AND CHROMOSOMAL INSTABILITY; SEEMANOVA SYNDROME II; Nijmegen breakage syndrome; Microcephaly with normal intelligence immunodeficiency and lymphoreticular malignancies; Nonsyndromal microcephaly autosomal recessive with normal intelligence; Seemanova syndrome 2. Identifiers: Orphanet 647, MedGen C0398791, MONDO:0009623, OMIM 251260.

Allele frequency attached by ClinVar (database versions not stated): gnomAD exomes below 0.00001.
gnomAD v4.1: 4 of 1,584,414 alleles (0.00025%); highest among the groups gnomAD compares: Admixed American, 0.0033%; no homozygotes.

Submissions (4):

Labcorp Genetics (formerly Invitae), Labcorp
Classification: Uncertain significance for Microcephaly, normal intelligence and immunodeficiency. Last evaluated: 2026-02-02. Review status: criteria provided, single submitter. Criteria: Invitae Variant Classification Sherloc (09022015). Collection method: clinical testing. Allele origin: germline.
Comment: This sequence change replaces methionine, which is neutral and non-polar, with isoleucine, which is neutral and non-polar, at codon 649 of the NBN protein (p.Met649Ile). This variant is not present in population databases (gnomAD no frequency). This variant has not been reported in the literature in individuals affected with NBN-related conditions. ClinVar contains an entry for this variant (Variation ID: 480067). An algorithm developed to predict the effect of missense changes on protein structure and function outputs the following: PolyPhen-2: "Benign". The isoleucine amino acid residue is found in multiple mammalian species, which suggests that this missense change does not adversely affect protein function. In summary, the available evidence is currently insufficient to determine the role of this variant in disease. Therefore, it has been classified as a Variant of Uncertain Significance.

Ambry Genetics
Classification: Uncertain significance for Hereditary cancer-predisposing syndrome. Last evaluated: 2025-10-05. Review status: criteria provided, single submitter. Criteria: Ambry Variant Classification Scheme 2023. Collection method: clinical testing. Allele origin: germline.
Comment: The p.M649I variant (also known as c.1947G>A), located in coding exon 13 of the NBN gene, results from a G to A substitution at nucleotide position 1947. The methionine at codon 649 is replaced by isoleucine, an amino acid with highly similar properties. This amino acid position is not well conserved in available vertebrate species. In addition, this alteration is predicted to be tolerated by in silico analysis. Since supporting evidence is limited at this time, the clinical significance of this alteration remains unclear.

Genome-Nilou Lab
Classification: Uncertain significance for Microcephaly, normal intelligence and immunodeficiency. Last evaluated: 2021-11-07. Review status: criteria provided, single submitter. Criteria: ACMG Guidelines, 2015. Collection method: clinical testing. Allele origin: germline. Affected: no.

Genetic Services Laboratory, University of Chicago
Classification: Uncertain significance. Last evaluated: 2021-08-27. Review status: criteria provided, single submitter. Criteria: ACMG Guidelines, 2015. Collection method: clinical testing. Allele origin: germline. Affected: no.
Comment: This sequence change does not appear to have been previously described in patients with NBN-related disorders and has not been described in the large population databases such as gnomAD and ExAC. The p.Met649Ile change affects a poorly conserved amino acid residue located in a domain of the NBN protein that is known to be functional. The p.Met649Ile substitution appears to be benign using several in-silico pathogenicity prediction tools (SIFT, PolyPhen2, Align GVGD, REVEL). Due to these contrasting evidences and the lack of functional studies, the clinical significance of the p.Met649Ile change remains unknown at this time.